The following is an entry in ClinVar:

NM_001080516.2(GRXCR2):c.580G>A (p.Glu194Lys)

Gene: GRXCR2 (glutaredoxin and cysteine rich domain containing 2; minus strand). Cytogenetic location: 5q32.
Variant type: single nucleotide variant.
Coding change: c.580G>A on transcript NM_001080516.2 (MANE Select); coding-DNA position 580, G replaced by A.
Protein change: p.Glu194Lys; replaces glutamic acid 194 with lysine.
Molecular consequence: missense variant.
Genome position (GRCh38, 1-based): chr5:145,859,900, C>T on the plus strand (G>A on the coding strand, the complement: GRXCR2 is on the minus strand). VCF-style: chr5-145859900-C-T. GRCh37 (hg19) VCF-style: chr5-145239463-C-T.
Other names: c.580G>A (NM_001080516.1); short protein forms E194K.
Identifiers: ClinVar variation 1450670 (VCV001450670.10), dbSNP rs367826984, ClinGen allele CA3487961.
Genomic context (GRCh38, chr5:145,859,900, plus strand): 5'-TGCCGTGGCACAGAGAGCAGGTGGCACTGCCCGACCCTCGGCAGTGAAAACAGCTGTCCT[C>T]GGGAATATCCCCTTCCTGCAAGAGACAGGTTAGGGTTTAGTTAAAGCAGCAGTTCAAGTC-3'
Protein context (NP_001073985.1, residues 184-204): NRYTQEGDIP[Glu194Lys]DSCFHCRGSG

ClinVar aggregate classification (germline): Uncertain significance. Review status: criteria provided, multiple submitters, no conflicts (2 of 4 stars). 4 submissions from 4 submitters: Uncertain significance (4). Last evaluated 2025-08-31.

Conditions:
Autosomal recessive nonsyndromic hearing loss 101. Also called: Deafness, autosomal recessive 101. Identifiers: Orphanet 90636, MedGen C3892049, MONDO:0014363, OMIM 615837.

Allele frequency attached by ClinVar (database versions not stated): TOPMed 0.00008; ExAC 0.00009; gnomAD exomes 0.00009 and 0.00011; ESP Exome Variant Server 0.00015; gnomAD 0.00017 and 0.00018.
gnomAD v4.1: 178 of 1,580,056 alleles (0.011%); highest among the groups gnomAD compares: Admixed American, 0.018%; no homozygotes.

Submissions (4):

Ambry Genetics
Classification: Uncertain significance. Last evaluated: 2025-08-31. Review status: criteria provided, single submitter. Criteria: Ambry Variant Classification Scheme 2023. Collection method: clinical testing. Allele origin: germline.

Blueprint Genetics
Classification: Uncertain significance. Last evaluated: 2024-04-26. Review status: criteria provided, single submitter. Criteria: ACMG Guidelines, 2015. Collection method: clinical testing. Allele origin: germline.

Labcorp Genetics (formerly Invitae), Labcorp
Classification: Uncertain significance. Last evaluated: 2023-08-17. Review status: criteria provided, single submitter. Criteria: Invitae Variant Classification Sherloc (09022015). Collection method: clinical testing. Allele origin: germline.
Comment: This sequence change replaces glutamic acid, which is acidic and polar, with lysine, which is basic and polar, at codon 194 of the GRXCR2 protein (p.Glu194Lys). This variant is present in population databases (rs367826984, gnomAD 0.02%). This variant has not been reported in the literature in individuals affected with GRXCR2-related conditions. ClinVar contains an entry for this variant (Variation ID: 1450670). An algorithm developed to predict the effect of missense changes on protein structure and function (PolyPhen-2) suggests that this variant¬†is likely to be tolerated. In summary, the available evidence is currently insufficient to determine the role of this variant in disease. Therefore, it has been classified as a Variant of Uncertain Significance.

Fulgent Genetics
Classification: Uncertain significance for Autosomal recessive nonsyndromic hearing loss 101. Last evaluated: 2022-01-10. Review status: criteria provided, single submitter. Criteria: ACMG Guidelines, 2015. Collection method: clinical testing. Allele origin: unknown.